The following is an entry in ClinVar:

ClinVar aggregate classification (germline): Uncertain significance (1 of 4 stars; one submission).

Conditions:
Isolated microphthalmia 4. Identifiers: Orphanet 2542, MedGen C2751307, MONDO:0013130, OMIM 613094.
Leber congenital amaurosis 17 (LCA17). Identifiers: Orphanet 65, MedGen C3715164, MONDO:0014145, OMIM 615360.
Klippel-Feil syndrome 1, autosomal dominant (KFS1). Also called: CERVICAL VERTEBRAL FUSION, AUTOSOMAL DOMINANT. Identifiers: Orphanet 2345, MedGen C1861689, MONDO:0007306, OMIM 118100.
Microphthalmia, isolated, with coloboma 6 (MCOPCB6). Also called: MICROPHTHALMIA/COLOBOMA 6; Microphthalmia with coloboma 6, digenic; Microphthalmia with coloboma 6. Identifiers: Orphanet 98938, MedGen C3150968, MONDO:0013376, OMIM 613703.

gnomAD v4.1: 5 of 1,500,510 alleles (0.00033%); highest among the groups gnomAD compares: Middle Eastern, 0.022%; no homozygotes.

Submission:

Labcorp Genetics (formerly Invitae), Labcorp
Classification: Uncertain significance for Isolated microphthalmia 4; Leber congenital amaurosis 17; Klippel-Feil syndrome 1, autosomal dominant; Microphthalmia, isolated, with coloboma 6. Last evaluated: 2023-04-17. Review status: criteria provided, single submitter. Criteria: Invitae Variant Classification Sherloc (09022015). Collection method: clinical testing. Allele origin: germline.
Comment: In summary, the available evidence is currently insufficient to determine the role of this variant in disease. Therefore, it has been classified as a Variant of Uncertain Significance. Advanced modeling of protein sequence and biophysical properties (such as structural, functional, and spatial information, amino acid conservation, physicochemical variation, residue mobility, and thermodynamic stability) performed at Invitae indicates that this missense variant is not expected to disrupt GDF6 protein function. This variant has not been reported in the literature in individuals affected with GDF6-related conditions. This variant is not present in population databases (gnomAD no frequency). This sequence change replaces proline, which is neutral and non-polar, with leucine, which is neutral and non-polar, at codon 256 of the GDF6 protein (p.Pro256Leu).

NM_001001557.4(GDF6):c.767C>T (p.Pro256Leu)

Gene: GDF6 (growth differentiation factor 6; minus strand). Cytogenetic location: 8q22.1.
Variant type: single nucleotide variant.
Coding change: c.767C>T on transcript NM_001001557.4 (MANE Select); coding-DNA position 767, C replaced by T.
Protein change: p.Pro256Leu; replaces proline 256 with leucine.
Molecular consequence: missense variant.
Genome position (GRCh38, 1-based): chr8:96,145,164, G>A on the plus strand (C>T on the coding strand, the complement: GDF6 is on the minus strand). VCF-style: chr8-96145164-G-A. GRCh37 (hg19) VCF-style: chr8-97157392-G-A.
Other names: short protein forms P256L.
Identifiers: ClinVar variation 2944182 (VCV002944182.3), dbSNP rs1812453650, ClinGen allele CA371751906.